The following is an entry in ClinVar:

ClinVar aggregate classification (germline): Uncertain significance (1 of 4 stars; one submission).

Conditions:
Inborn genetic diseases. Identifiers: MedGen C0950123, MeSH D030342.

Submission:

Ambry Genetics
Classification: Uncertain significance for Inborn genetic diseases. Last evaluated: 2026-04-28. Review status: criteria provided, single submitter. Criteria: Ambry Variant Classification Scheme 2023. Collection method: clinical testing. Allele origin: germline.
Comment: The p.M194R variant (also known as c.581T>G), located in coding exon 2 of the FANCM gene, results from a T to G substitution at nucleotide position 581. The methionine at codon 194 is replaced by arginine, an amino acid with similar properties. This amino acid position is conserved. In addition, the in silico prediction for this alteration is inconclusive. Based on the available evidence, the clinical significance of this variant remains unclear.

NM_020937.4(FANCM):c.581T>G (p.Met194Arg)

Gene: FANCM (FA complementation group M; plus strand). Cytogenetic location: 14q21.2.
Variant type: single nucleotide variant.
Coding change: c.581T>G on transcript NM_020937.4 (MANE Select); coding-DNA position 581, T replaced by G.
Protein change: p.Met194Arg; replaces methionine 194 with arginine.
Molecular consequence: missense variant.
Genome position (GRCh38, 1-based): chr14:45,137,141, T>G. VCF-style: chr14-45137141-T-G. GRCh37 (hg19) VCF-style: chr14-45606344-T-G.
Other names: c.581T>G, p.Met194Arg (NM_001308133.2, NM_001308134.2); short protein forms M194R.
Identifiers: ClinVar variation 4871116 (VCV004871116.1).